The following is an entry in ClinVar:

ClinVar aggregate classification (germline): Likely benign. Review status: criteria provided, single submitter (1 of 4 stars). 2 submissions from 2 submitters: Likely benign (1). 1 of the submissions does not count toward it. Last evaluated 2025-01-14.

Conditions:
Mucolipidosis type II. Also called: Mucolipidosis 2; ML 2; Inclusion cell disease; Leroy Disease; N-acetylglucosamine 1phosphotransferase deficiency; ML disorder type 2. Identifiers: Orphanet 576, MedGen C2673377, MONDO:0009650, OMIM 252500.
Pseudo-Hurler polydystrophy. Also called: ML IIIA; Mucolipidosis III Alpha/Beta; MUCOLIPIDOSIS IIIA; ML III; ML III ALPHA/BETA; Type III Mucolipidosis. Identifiers: Orphanet 423461, Orphanet 577, MedGen C0033788, MONDO:0018931, OMIM 252600.
GNPTAB-Related Disorders. Also called: GNPTAB-related condition; GNPTAB-related disorder. Identifiers: MedGen CN381523.

Allele frequency attached by ClinVar (database versions not stated): gnomAD 0.00001; TOPMed 0.00001.
gnomAD v4.1: 13 of 1,614,016 alleles (0.00081%); highest among the groups gnomAD compares: Non-Finnish European, 0.0011%; no homozygotes.

Submissions (2):

Labcorp Genetics (formerly Invitae), Labcorp
Classification: Likely benign for Pseudo-Hurler polydystrophy; Mucolipidosis type II. Last evaluated: 2025-01-14. Review status: criteria provided, single submitter. Criteria: Invitae Variant Classification Sherloc (09022015). Collection method: clinical testing. Allele origin: germline.

PreventionGenetics, part of Exact Sciences
Classification: Likely benign for GNPTAB-related condition. Last evaluated: 2019-05-02. Review status: no assertion criteria provided. Collection method: clinical testing. Allele origin: germline. Not counted in ClinVar's aggregate classification.
Comment: This variant is classified as likely benign based on ACMG/AMP sequence variant interpretation guidelines (Richards et al. 2015 PMID: 25741868, with internal and published modifications).

NM_024312.5(GNPTAB):c.2829T>C (p.Asn943=)

Gene: GNPTAB (N-acetylglucosamine-1-phosphate transferase subunits alpha and beta; minus strand). Cytogenetic location: 12q23.2.
Variant type: single nucleotide variant.
Coding change: c.2829T>C on transcript NM_024312.5 (MANE Select); coding-DNA position 2829, T replaced by C.
Protein change: p.Asn943=; no amino-acid change (asparagine 943 retained).
Molecular consequence: synonymous variant.
Genome position (GRCh38, 1-based): chr12:101,761,650, A>G on the plus strand (T>C on the coding strand, the complement: GNPTAB is on the minus strand). VCF-style: chr12-101761650-A-G. GRCh37 (hg19) VCF-style: chr12-102155428-A-G.
Other names: c.2829T>C (NM_024312.4).
Identifiers: ClinVar variation 2142498 (VCV002142498.6), dbSNP rs756617125, ClinGen allele CA242454331.